The following is an entry in ClinVar:

NC_000016.10:g.68835549T>A

Gene: CDH1 (cadherin 1; plus strand). Cytogenetic location: 16q22.1.
Variant type: single nucleotide variant.
Genome position: GRCh38 VCF-style: chr16-68835549-T-A. GRCh37 (hg19) VCF-style: chr16-68869452-T-A.
Identifiers: ClinVar variation 369123 (VCV000369123.11), dbSNP rs181705992, ClinGen allele CA10654543.
Genomic context (GRCh38, chr16:68,835,549, plus strand): 5'-TATTCTCAAAGATGCATTTTTATAAATTTTATTAAACAATTTTGTTAAACCATTGTCAAA[T>A]TTGTTTTATTTGATTCCACCACATTTCCAGTCAAGAGAAAAGATGCATGGAGATGGCCTC-3'

ClinVar aggregate classification (germline): Benign. Review status: reviewed by expert panel (3 of 4 stars). 2 submissions from 2 submitters: Benign (1). 1 of the submissions does not count toward it. Last evaluated 2023-08-10.

Conditions:
CDH1-related diffuse gastric and lobular breast cancer syndrome. Also called: CDH1-related diffuse gastric and lobular breast cancer. Identifiers: MedGen CN311521, MONDO:0100488.

Allele frequency attached by ClinVar (database versions not stated): 1000 Genomes Project 0.00779; TOPMed 0.00807; 1000 Genomes Project 30x 0.00874; gnomAD exomes 0.00113; gnomAD 0.00696 and 0.00746.

Submissions (2):

Clingen Gastric Cancer Variant Curation Expert Panel
Classification: Benign for CDH1-related diffuse gastric and lobular breast cancer syndrome. Last evaluated: 2023-08-10. Review status: reviewed by expert panel. Criteria: ClinGen CDH1 ACMG Specifications V3.1. Collection method: curation. Allele origin: germline. Inheritance: Autosomal dominant inheritance.
Comment: The NM_004360.4(CDH1):c.*2050T>A variant has an allele frequency of 0.02572 (2.572%, 224/8710 alleles, 1 homozygote) in the African subpopulation of the gnomAD v2.1.1 cohort (BA1; BP2). Therefore, this variant meets criteria to be classified as benign. ACMG/AMP criteria applied, as specified by the CDH1 Variant Curation Expert Panel (Variant Interpretation Guidelines Version 3.1): BA1, BP2.

Breakthrough Genomics
Classification: Benign. Review status: criteria provided, single submitter. Criteria: ACMG Guidelines, 2015. Collection method: not provided. Allele origin: germline. Inheritance: Autosomal dominant inheritance. Affected: yes. Not counted in ClinVar's aggregate classification.